The following is an entry in ClinVar:

ClinVar aggregate classification (germline): Conflicting classifications of pathogenicity. Review status: criteria provided, conflicting classifications (1 of 4 stars). 5 submissions from 5 submitters: Uncertain significance (2); Likely benign (2). 1 of the submissions does not count toward it. Last evaluated 2024-05-08.

Allele frequency attached by ClinVar (database versions not stated): TOPMed 0.00001; 1000 Genomes Project 0.00060; 1000 Genomes Project 30x 0.00062.
gnomAD v4.1: 170 of 1,606,202 alleles (0.011%); highest among the groups gnomAD compares: South Asian, 0.17%; 3 homozygotes.

Submissions (5):

Labcorp Genetics (formerly Invitae), Labcorp
Classification: Uncertain significance. Last evaluated: 2024-05-08. Review status: criteria provided, single submitter. Criteria: Invitae Variant Classification Sherloc (09022015). Collection method: clinical testing. Allele origin: germline.
Comment: This sequence change replaces arginine, which is basic and polar, with leucine, which is neutral and non-polar, at codon 215 of the RECQL protein (p.Arg215Leu). This variant is present in population databases (rs561515655, gnomAD 0.2%), and has an allele count higher than expected for a pathogenic variant. This variant has not been reported in the literature in individuals affected with RECQL-related conditions. ClinVar contains an entry for this variant (Variation ID: 859760). Advanced modeling of protein sequence and biophysical properties (such as structural, functional, and spatial information, amino acid conservation, physicochemical variation, residue mobility, and thermodynamic stability) performed at Invitae indicates that this missense variant is not expected to disrupt RECQL protein function with a negative predictive value of 80%. In summary, the available evidence is currently insufficient to determine the role of this variant in disease. Therefore, it has been classified as a Variant of Uncertain Significance.

Quest Diagnostics Nichols Institute San Juan Capistrano
Classification: Likely benign. Last evaluated: 2023-08-24. Review status: criteria provided, single submitter. Criteria: Quest Diagnostics criteria. Collection method: clinical testing. Allele origin: unknown.

GeneDx
Classification: Uncertain significance. Last evaluated: 2022-10-12. Review status: criteria provided, single submitter. Criteria: GeneDx Variant Classification Process June 2021. Collection method: clinical testing. Allele origin: germline. Affected: yes.
Comment: In silico analysis supports that this missense variant has a deleterious effect on protein structure/function; Has not been previously published as pathogenic or benign to our knowledge; This variant is associated with the following publications: (PMID: 19151156, 27248010)

Ambry Genetics
Classification: Likely benign. Last evaluated: 2020-09-23. Review status: criteria provided, single submitter. Criteria: Ambry Variant Classification Scheme 2023. Collection method: clinical testing. Allele origin: germline.

Department of Pathology and Laboratory Medicine, Sinai Health System
Classification: Uncertain significance. Review status: no assertion criteria provided. Collection method: clinical testing. Allele origin: unknown. Affected: yes. Study: The Canadian Open Genetics Repository (COGR). Not counted in ClinVar's aggregate classification.
Comment: Variant was observed in a homozygous state in population databases more than expected for disease. Allele frequency in the general population is extremely low (0.174%, gnomAD_Exomes) with recommended threshold of 1.0% in the general population. 2 pathogenic variants with a higher frequency threshold than recommended are known in this gene, including: chr12:21639487:GA>G, frequency: 0.029% chr12:21644546:C>CT, frequency: 0.0%

Literature cited by the submitters: PubMed 33471991 (cited by Quest Diagnostics Nichols Institute San Juan Capistrano).

NM_002907.4(RECQL):c.644G>T (p.Arg215Leu)

Gene: RECQL (RecQ like helicase; minus strand). Cytogenetic location: 12p12.1.
Variant type: single nucleotide variant.
Coding change: c.644G>T on transcript NM_002907.4 (MANE Select); coding-DNA position 644, G replaced by T.
Protein change: p.Arg215Leu; replaces arginine 215 with leucine.
Molecular consequence: missense variant.
Genome position (GRCh38, 1-based): chr12:21,483,432, C>A on the plus strand (G>T on the coding strand, the complement: RECQL is on the minus strand). VCF-style: chr12-21483432-C-A. GRCh37 (hg19) VCF-style: chr12-21636366-C-A.
Other names: c.644G>T, p.Arg215Leu (NM_032941.3); short protein forms R215L.
Identifiers: ClinVar variation 859760 (VCV000859760.16), dbSNP rs561515655, ClinGen allele CA6479018.